The following is an entry in ClinVar:

ClinVar aggregate classification (germline): Uncertain significance. Review status: criteria provided, multiple submitters, no conflicts (2 of 4 stars). 2 submissions from 2 submitters: Uncertain significance (2). Last evaluated 2023-03-24.

Conditions:
Hereditary cancer-predisposing syndrome. Also called: Neoplastic Syndromes, Hereditary; Tumor predisposition; Hereditary Cancer Syndrome; Hereditary neoplastic syndrome. Identifiers: Orphanet 140162, MedGen C0027672, MeSH D009386, MONDO:0015356.
Familial adenomatous polyposis 1 (FAP1). Also called: FAMILIAL ADENOMATOUS POLYPOSIS 1, ATTENUATED; POLYPOSIS, ADENOMATOUS INTESTINAL. Identifiers: MedGen C2713442, MONDO:0021056, OMIM 175100. Disease mechanism: loss of function.

Submissions (2):

Labcorp Genetics (formerly Invitae), Labcorp
Classification: Uncertain significance for Familial adenomatous polyposis 1. Last evaluated: 2023-03-24. Review status: criteria provided, single submitter. Criteria: Invitae Variant Classification Sherloc (09022015). Collection method: clinical testing. Allele origin: germline.
Comment: In summary, the available evidence is currently insufficient to determine the role of this variant in disease. Therefore, it has been classified as a Variant of Uncertain Significance. Advanced modeling of protein sequence and biophysical properties (such as structural, functional, and spatial information, amino acid conservation, physicochemical variation, residue mobility, and thermodynamic stability) performed at Invitae indicates that this missense variant is not expected to disrupt APC protein function. ClinVar contains an entry for this variant (Variation ID: 1755662). This variant has not been reported in the literature in individuals affected with APC-related conditions. This variant is not present in population databases (gnomAD no frequency). This sequence change replaces proline, which is neutral and non-polar, with alanine, which is neutral and non-polar, at codon 2276 of the APC protein (p.Pro2276Ala).

Ambry Genetics
Classification: Uncertain significance for Hereditary cancer-predisposing syndrome. Last evaluated: 2022-06-28. Review status: criteria provided, single submitter. Criteria: Ambry Variant Classification Scheme 2023. Collection method: clinical testing. Allele origin: germline.
Comment: The p.P2276A variant (also known as c.6826C>G), located in coding exon 15 of the APC gene, results from a C to G substitution at nucleotide position 6826. The proline at codon 2276 is replaced by alanine, an amino acid with highly similar properties. This amino acid position is conserved. In addition, in silico predictors for this gene do not accurately predict pathogenicity. Since supporting evidence is limited at this time, the clinical significance of this alteration remains unclear.

NM_000038.6(APC):c.6826C>G (p.Pro2276Ala)

Gene: APC (APC regulator of Wnt signaling pathway; plus strand). Cytogenetic location: 5q22.2.
Variant type: single nucleotide variant.
Coding change: c.6826C>G on transcript NM_000038.6 (MANE Select); coding-DNA position 6826, C replaced by G.
Protein change: p.Pro2276Ala; replaces proline 2276 with alanine.
Molecular consequence: missense variant.
Genome position (GRCh38, 1-based): chr5:112,842,420, C>G. VCF-style: chr5-112842420-C-G. GRCh37 (hg19) VCF-style: chr5-112178117-C-G.
Other names: c.6826C>G, p.Pro2276Ala (NM_001127510.3, NM_001354895.2, NM_001407450.1); c.6772C>G, p.Pro2258Ala (NM_001127511.3); c.6880C>G, p.Pro2294Ala (NM_001354896.2, NM_001407447.1, NM_001407448.1 and 1 more transcripts); c.6856C>G, p.Pro2286Ala (NM_001354897.2); c.6751C>G, p.Pro2251Ala (NM_001354898.2); c.6742C>G, p.Pro2248Ala (NM_001354899.2); c.6703C>G, p.Pro2235Ala (NM_001354900.2); c.6649C>G, p.Pro2217Ala (NM_001354901.2, NM_001407453.1); and 11 more; short protein forms P2193A, P2235A, P2251A, P2258A, P2276A, P1993A, P2217A, P2248A.
Identifiers: ClinVar variation 1755662 (VCV001755662.7), dbSNP rs1554087777, ClinGen allele CA16036233.